The following is an entry in ClinVar:

ClinVar aggregate classification (germline): Uncertain significance. Review status: criteria provided, multiple submitters, no conflicts (2 of 4 stars). 2 submissions from 2 submitters: Uncertain significance (2). Last evaluated 2023-07-20.

Conditions:
Colorectal cancer, hereditary nonpolyposis, type 7. Identifiers: Orphanet 144, MedGen C1858380, MONDO:0013725, OMIM 614385.

Allele frequency attached by ClinVar (database versions not stated): gnomAD 0.00001; gnomAD exomes 0.00001.
gnomAD v4.1: 5 of 1,614,012 alleles (0.00031%); highest among the groups gnomAD compares: East Asian, 0.011%; no homozygotes.

Submissions (2):

Ambry Genetics
Classification: Uncertain significance. Last evaluated: 2023-07-20. Review status: criteria provided, single submitter. Criteria: Ambry Variant Classification Scheme 2023. Collection method: clinical testing. Allele origin: germline.
Comment: The p.M290V variant (also known as c.868A>G), located in coding exon 1 of the MLH3 gene, results from an A to G substitution at nucleotide position 868. The methionine at codon 290 is replaced by valine, an amino acid with highly similar properties. This amino acid position is not well conserved in available vertebrate species. In addition, this alteration is predicted to be tolerated by in silico analysis. The evidence for this gene-disease relationship is limited; therefore, the clinical significance of this alteration is unclear.

Labcorp Genetics (formerly Invitae), Labcorp
Classification: Uncertain significance for Colorectal cancer, hereditary nonpolyposis, type 7. Last evaluated: 2021-04-26. Review status: criteria provided, single submitter. Criteria: Invitae Variant Classification Sherloc (09022015). Collection method: clinical testing. Allele origin: germline.
Comment: This sequence change replaces methionine with valine at codon 290 of the MLH3 protein (p.Met290Val). The methionine residue is weakly conserved and there is a small physicochemical difference between methionine and valine. This variant is not present in population databases (ExAC no frequency). In summary, the available evidence is currently insufficient to determine the role of this variant in disease. Therefore, it has been classified as a Variant of Uncertain Significance. Algorithms developed to predict the effect of sequence changes on RNA splicing suggest that this variant may create or strengthen a splice site, but this prediction has not been confirmed by published transcriptional studies. Algorithms developed to predict the effect of missense changes on protein structure and function output the following: SIFT: "Tolerated"; PolyPhen-2: "Benign"; Align-GVGD: "Class C0". The valine amino acid residue is found in multiple mammalian species, suggesting that this missense change does not adversely affect protein function. These predictions have not been confirmed by published functional studies and their clinical significance is uncertain. This variant has not been reported in the literature in individuals with MLH3-related conditions.

NM_001040108.2(MLH3):c.868A>G (p.Met290Val)

Gene: MLH3 (mutL homolog 3; minus strand). Cytogenetic location: 14q24.3.
Variant type: single nucleotide variant.
Coding change: c.868A>G on transcript NM_001040108.2 (MANE Select); coding-DNA position 868, A replaced by G.
Protein change: p.Met290Val; replaces methionine 290 with valine.
Molecular consequence: missense variant.
Genome position (GRCh38, 1-based): chr14:75,048,788, T>C on the plus strand (A>G on the coding strand, the complement: MLH3 is on the minus strand). VCF-style: chr14-75048788-T-C. GRCh37 (hg19) VCF-style: chr14-75515491-T-C.
Other names: c.868A>G, p.Met290Val (NM_014381.3); c.868A>G (NM_001040108.1); short protein forms M290V.
Identifiers: ClinVar variation 1024991 (VCV001024991.11), dbSNP rs1594782103, ClinGen allele CA390448859.